The following is an entry in ClinVar:

NM_012179.4(FBXO7):c.146C>A (p.Thr49Lys)

Gene: FBXO7 (F-box protein 7; plus strand). Cytogenetic location: 22q12.3.
Variant type: single nucleotide variant.
Coding change: c.146C>A on transcript NM_012179.4 (MANE Select); coding-DNA position 146, C replaced by A.
Protein change: p.Thr49Lys; replaces threonine 49 with lysine.
Molecular consequence: missense variant. On other transcripts: 5 prime UTR variant (1), intron variant (1).
Genome position (GRCh38, 1-based): chr22:32,479,004, C>A. VCF-style: chr22-32479004-C-A. GRCh37 (hg19) VCF-style: chr22-32874991-C-A.
Other names: p.Thr49Lys; c.-197C>A (NM_001257990.2); c.38-129C>A (NM_001033024.2); short protein forms T49K.
Identifiers: ClinVar variation 2683566 (VCV002683566.1), dbSNP rs761378962, ClinGen allele CA10201365.

ClinVar aggregate classification (germline): Uncertain significance (1 of 4 stars; one submission).

Allele frequency attached by ClinVar (database versions not stated): ExAC 0.00001; gnomAD 0.00001.

Submission:

Mayo Clinic Laboratories, Mayo Clinic
Classification: Uncertain significance. Last evaluated: 2023-05-15. Review status: criteria provided, single submitter. Criteria: ACMG Guidelines, 2015. Collection method: clinical testing. Allele origin: germline. Observed: 1 variant allele.
Comment: PM2